The following is an entry in ClinVar:

ClinVar aggregate classification (germline): Uncertain significance (1 of 4 stars; one submission).

Conditions:
Hereditary sensory and autonomic neuropathy type 6. Also called: HSAN VI; Neuropathy, hereditary sensory and autonomic, type VI. Identifiers: Orphanet 314381, MedGen C3539003, MONDO:0013839, OMIM 614653.
Epidermolysis bullosa simplex 3, localized or generalized intermediate, with BP230 deficiency (EBS3). Also called: Epidermolysis bullosa simplex, autosomal recessive 2; Epidermolysis bullosa simplex due to BP230 deficiency. Identifiers: Orphanet 412181, MedGen C3809470, MONDO:0014180, OMIM 615425.

gnomAD v4.1: 5 of 1,613,738 alleles (0.00031%); highest among the groups gnomAD compares: Non-Finnish European, 0.00042%; no homozygotes.

Submission:

Labcorp Genetics (formerly Invitae), Labcorp
Classification: Uncertain significance for Epidermolysis bullosa simplex 3, localized or generalized intermediate, with BP230 deficiency; Hereditary sensory and autonomic neuropathy type 6. Last evaluated: 2020-03-06. Review status: criteria provided, single submitter. Criteria: Invitae Variant Classification Sherloc (09022015). Collection method: clinical testing. Allele origin: germline.
Comment: This sequence change replaces serine with tyrosine at codon 1781 of the DST protein (p.Ser1781Tyr). The serine residue is weakly conserved and there is a large physicochemical difference between serine and tyrosine. This variant is not present in population databases (ExAC no frequency). This variant has not been reported in the literature in individuals with DST-related disease. Algorithms developed to predict the effect of missense changes on protein structure and function are either unavailable or do not agree on the potential impact of this missense change (SIFT: "Deleterious"; PolyPhen-2: "Possibly Damaging"; Align-GVGD: "Class C15"). In summary, the available evidence is currently insufficient to determine the role of this variant in disease. Therefore, it has been classified as a Variant of Uncertain Significance.

NM_001723.7(DST):c.5342C>A (p.Ser1781Tyr)

Gene: DST (dystonin; minus strand). Cytogenetic location: 6p12.1.
Variant type: single nucleotide variant.
Coding change: c.5342C>A on transcript NM_001723.7 (MANE Plus Clinical); coding-DNA position 5342, C replaced by A.
Protein change: p.Ser1781Tyr; replaces serine 1781 with tyrosine.
Molecular consequence: missense variant. On other transcripts: intron variant (10).
Genome position (GRCh38, 1-based): chr6:56,618,692, G>T on the plus strand (C>A on the coding strand, the complement: DST is on the minus strand). VCF-style: chr6-56618692-G-T. GRCh37 (hg19) VCF-style: chr6-56483490-G-T.
Other names: c.4831-4208C>A (NM_001144769.5); c.4930-4208C>A (NM_001374722.1, NM_001374736.1); c.4957-4208C>A (NM_001374734.1); c.4417-4208C>A (NM_001144770.2); c.4297-4208C>A (NM_001374730.1, NM_001386100.1, NM_183380.4 and 1 more transcripts); c.3319-4208C>A (NM_015548.5); short protein forms S1781Y.
Identifiers: ClinVar variation 641598 (VCV000641598.9), dbSNP rs1586806985, ClinGen allele CA364567597.